The following is an entry in ClinVar:

NM_020738.4(KIDINS220):c.4877G>A (p.Arg1626Gln)

Gene: KIDINS220 (kinase D interacting substrate 220; minus strand). Cytogenetic location: 2p25.1.
Variant type: single nucleotide variant.
Coding change: c.4877G>A on transcript NM_020738.4 (MANE Select); coding-DNA position 4877, G replaced by A.
Protein change: p.Arg1626Gln; replaces arginine 1626 with glutamine.
Molecular consequence: missense variant. On other transcripts: intron variant (6).
Genome position (GRCh38, 1-based): chr2:8,731,159, C>T on the plus strand (G>A on the coding strand, the complement: KIDINS220 is on the minus strand). VCF-style: chr2-8731159-C-T. GRCh37 (hg19) VCF-style: chr2-8871289-C-T.
Other names: c.4877G>A (NM_020738.2); c.4880G>A, p.Arg1627Gln (NM_001348729.2); c.4823G>A, p.Arg1608Gln (NM_001348731.2); c.4820G>A, p.Arg1607Gln (NM_001348732.2); c.4709G>A, p.Arg1570Gln (NM_001348734.2); c.4706G>A, p.Arg1569Gln (NM_001348735.2); c.4580G>A, p.Arg1527Gln (NM_001348736.2); c.3882+2285G>A (NM_001348741.2, NM_001348742.2, NM_001348743.2); and 2 more; short protein forms R1527Q, R1570Q, R1608Q, R1627Q, R1626Q, R1569Q, R1607Q.
Identifiers: ClinVar variation 1423310 (VCV001423310.10), dbSNP rs1207262678, ClinGen allele CA345762625.
Genomic context (GRCh38, chr2:8,731,159, plus strand): 5'-CAAATGGACATCCGAGCTATAATTGGATCTTGCAGGCCACTCAGGCTATGTGGGATTCCC[C>T]GCTTTCCGCTGTGACTGTCATCTTCCAGCTCTATGAGATTTGCCTTTTCAAGCTGGGAGT-3'
Protein context (NP_065789.1, residues 1616-1636): ELEDDSHSGK[Arg1626Gln]GIPHSLSGLQ

ClinVar aggregate classification (germline): Uncertain significance. Review status: criteria provided, single submitter (1 of 4 stars). 2 submissions from 2 submitters: Uncertain significance (1). 1 of the submissions does not count toward it. Last evaluated 2022-07-11.

Conditions:
KIDINS220-related disorder. Also called: KIDINS220-related condition.

Allele frequency attached by ClinVar (database versions not stated): TOPMed below 0.00001; gnomAD 0.00001; gnomAD exomes 0.00001.
gnomAD v4.1: 13 of 1,614,028 alleles (0.00081%); highest among the groups gnomAD compares: South Asian, 0.0022%; no homozygotes.

Submissions (2):

Labcorp Genetics (formerly Invitae), Labcorp
Classification: Uncertain significance. Last evaluated: 2022-07-11. Review status: criteria provided, single submitter. Criteria: Invitae Variant Classification Sherloc (09022015). Collection method: clinical testing. Allele origin: germline.
Comment: This sequence change replaces arginine, which is basic and polar, with glutamine, which is neutral and polar, at codon 1626 of the KIDINS220 protein (p.Arg1626Gln). This variant is present in population databases (no rsID available, gnomAD 0.01%). In summary, the available evidence is currently insufficient to determine the role of this variant in disease. Therefore, it has been classified as a Variant of Uncertain Significance. Algorithms developed to predict the effect of missense changes on protein structure and function output the following: SIFT: "Tolerated"; PolyPhen-2: "Benign"; Align-GVGD: "Class C0". The glutamine amino acid residue is found in multiple mammalian species, which suggests that this missense change does not adversely affect protein function. ClinVar contains an entry for this variant (Variation ID: 1423310). This variant has not been reported in the literature in individuals affected with KIDINS220-related conditions.

PreventionGenetics, part of Exact Sciences
Classification: Uncertain significance for KIDINS220-related condition. Last evaluated: 2023-11-28. Review status: no assertion criteria provided. Collection method: clinical testing. Allele origin: germline. Not counted in ClinVar's aggregate classification.
Comment: The KIDINS220 c.4877G>A variant is predicted to result in the amino acid substitution p.Arg1626Gln. To our knowledge, this variant has not been reported in the literature. This variant is reported in 0.0099% of alleles in individuals of Ashkenazi Jewish descent in gnomAD. At this time, the clinical significance of this variant is uncertain due to the absence of conclusive functional and genetic evidence.